The following is an entry in ClinVar:

NM_006514.4(SCN10A):c.2221C>G (p.Leu741Val)

Gene: SCN10A (sodium voltage-gated channel alpha subunit 10; minus strand). Cytogenetic location: 3p22.2.
Variant type: single nucleotide variant.
Coding change: c.2221C>G on transcript NM_006514.4 (MANE Select); coding-DNA position 2221, C replaced by G.
Protein change: p.Leu741Val; replaces leucine 741 with valine.
Molecular consequence: missense variant.
Genome position (GRCh38, 1-based): chr3:38,739,574, G>C on the plus strand (C>G on the coding strand, the complement: SCN10A is on the minus strand). VCF-style: chr3-38739574-G-C. GRCh37 (hg19) VCF-style: chr3-38781065-G-C.
Other names: c.2221C>G (NM_006514.2); c.2221C>G, p.Leu741Val (NM_001293306.2); c.1927C>G, p.Leu643Val (NM_001293307.2); short protein forms L741V, L643V.
Identifiers: ClinVar variation 1046224 (VCV001046224.7), dbSNP rs137906740, ClinGen allele CA2320609.

ClinVar aggregate classification (germline): Conflicting classifications of pathogenicity. Review status: criteria provided, conflicting classifications (1 of 4 stars). 3 submissions from 3 submitters: Uncertain significance (2); Likely benign (1). Last evaluated 2025-11-22.

Conditions:
Brugada syndrome. Also called: Sudden Unexplained Death Syndrome; Sudden Unexplained Nocturnal Death Syndrome (SUNDS); Sudden unexplained nocturnal death syndrome; Sudden unexpected nocturnal death syndrome. Identifiers: Orphanet 130, MedGen C1142166, MONDO:0015263.
Cardiovascular phenotype. Identifiers: MedGen CN230736.
Episodic pain syndrome, familial, 2 (FEPS2). Identifiers: Orphanet 306577, MedGen C3809893, MONDO:0014246, OMIM 615551.

Allele frequency attached by ClinVar (database versions not stated): ESP Exome Variant Server 0.00008; TOPMed 0.00002; gnomAD exomes 0.00009 and 0.00003; ExAC 0.00015; gnomAD 0.00001 and 0.00002.
gnomAD v4.1: 54 of 1,614,082 alleles (0.0033%); highest among the groups gnomAD compares: Non-Finnish European, 0.0042%; no homozygotes.

Submissions (3):

Labcorp Genetics (formerly Invitae), Labcorp
Classification: Uncertain significance for Brugada syndrome. Last evaluated: 2025-11-22. Review status: criteria provided, single submitter. Criteria: Invitae Variant Classification Sherloc (09022015). Collection method: clinical testing. Allele origin: germline.
Comment: This sequence change replaces leucine, which is neutral and non-polar, with valine, which is neutral and non-polar, at codon 741 of the SCN10A protein (p.Leu741Val). This variant is present in population databases (rs137906740, gnomAD 0.02%). This missense change has been observed in individual(s) with clinical features of erythromelalgia (PMID: 29911575, 30554136). ClinVar contains an entry for this variant (Variation ID: 1046224). Invitae Evidence Modeling of protein sequence and biophysical properties (such as structural, functional, and spatial information, amino acid conservation, physicochemical variation, residue mobility, and thermodynamic stability) indicates that this missense variant is not expected to disrupt SCN10A protein function with a negative predictive value of 80%. In summary, the available evidence is currently insufficient to determine the role of this variant in disease. Therefore, it has been classified as a Variant of Uncertain Significance.

Ambry Genetics
Classification: Likely benign for Cardiovascular phenotype. Last evaluated: 2023-01-31. Review status: criteria provided, single submitter. Criteria: Ambry Variant Classification Scheme 2023. Collection method: clinical testing. Allele origin: germline.

Fulgent Genetics
Classification: Uncertain significance for Episodic pain syndrome, familial, 2. Last evaluated: 2021-07-20. Review status: criteria provided, single submitter. Criteria: ACMG Guidelines, 2015. Collection method: clinical testing. Allele origin: unknown.

Literature cited by the submitters: PubMed 29911575 (cited by Labcorp Genetics (formerly Invitae), Labcorp); PubMed 30554136 (cited by Labcorp Genetics (formerly Invitae), Labcorp).